The following is an entry in ClinVar:

NM_001711.6(BGN):c.752G>A (p.Arg251His)

Gene: BGN (biglycan; plus strand). Cytogenetic location: Xq28.
Variant type: single nucleotide variant.
Coding change: c.752G>A on transcript NM_001711.6 (MANE Select); coding-DNA position 752, G replaced by A.
Protein change: p.Arg251His; replaces arginine 251 with histidine.
Molecular consequence: missense variant.
Genome position (GRCh38, 1-based): chrX:153,506,905, G>A. VCF-style: chrX-153506905-G-A. GRCh37 (hg19) VCF-style: chrX-152772363-G-A.
Other names: c.752G>A (NM_001711.4); short protein forms R251H.
Identifiers: ClinVar variation 2145578 (VCV002145578.6), dbSNP rs1166225684, ClinGen allele CA415071252.

ClinVar aggregate classification (germline): Conflicting classifications of pathogenicity. Review status: criteria provided, conflicting classifications (1 of 4 stars). 2 submissions from 2 submitters: Uncertain significance (1); Likely benign (1). Last evaluated 2025-08-29.

Conditions:
Cardiovascular phenotype. Identifiers: MedGen CN230736.

Allele frequency attached by ClinVar (database versions not stated): gnomAD exomes 0.00002; TOPMed 0.00003; gnomAD 0.00007.
gnomAD v4.1: 34 of 1,209,627 alleles (0.0028%); highest among the groups gnomAD compares: African/African-American, 0.0088%; no homozygotes.

Submissions (2):

Ambry Genetics
Classification: Likely benign for Cardiovascular phenotype. Last evaluated: 2025-08-29. Review status: criteria provided, single submitter. Criteria: Ambry Variant Classification Scheme 2023. Collection method: clinical testing. Allele origin: germline.

Labcorp Genetics (formerly Invitae), Labcorp
Classification: Uncertain significance. Last evaluated: 2024-11-09. Review status: criteria provided, single submitter. Criteria: Invitae Variant Classification Sherloc (09022015). Collection method: clinical testing. Allele origin: germline.
Comment: This sequence change replaces arginine, which is basic and polar, with histidine, which is basic and polar, at codon 251 of the BGN protein (p.Arg251His). The frequency data for this variant in the population databases is considered unreliable, as metrics indicate poor data quality at this position in the gnomAD database. This variant has not been reported in the literature in individuals affected with BGN-related conditions. ClinVar contains an entry for this variant (Variation ID: 2145578). Invitae Evidence Modeling of protein sequence and biophysical properties (such as structural, functional, and spatial information, amino acid conservation, physicochemical variation, residue mobility, and thermodynamic stability) indicates that this missense variant is not expected to disrupt BGN protein function with a negative predictive value of 80%. In summary, the available evidence is currently insufficient to determine the role of this variant in disease. Therefore, it has been classified as a Variant of Uncertain Significance.